The following is an entry in ClinVar:

NM_174936.4(PCSK9):c.4G>A (p.Gly2Ser)

Gene: PCSK9 (proprotein convertase subtilisin/kexin type 9; plus strand). Cytogenetic location: 1p32.3.
Variant type: single nucleotide variant.
Coding change: c.4G>A on transcript NM_174936.4 (MANE Select); coding-DNA position 4, G replaced by A.
Protein change: p.Gly2Ser; replaces glycine 2 with serine.
Molecular consequence: missense variant. On other transcripts: 5 prime UTR variant (1), non-coding transcript variant (8).
Genome position (GRCh38, 1-based): chr1:55,039,841, G>A. VCF-style: chr1-55039841-G-A. GRCh37 (hg19) VCF-style: chr1-55505514-G-A.
Other names: c.4G>A, p.Gly2Ser (NM_001407240.1, NM_001407241.1, NM_001407242.1 and 4 more transcripts); c.-731G>A (NM_001407246.1); short protein forms G2S.
Identifiers: ClinVar variation 3071061 (VCV003071061.1), dbSNP rs2523162641, ClinGen allele CA340482588.

ClinVar aggregate classification (germline): Uncertain significance (1 of 4 stars; one submission).

Conditions:
Hypercholesterolemia, autosomal dominant, 3 (FHCL3). Also called: Familial Hypercholesterolemia, Autosomal Dominant, 3; PCSK9-Related Familial Hypercholesterolemia, Autosomal Dominant; Familial hypercholesterolemia 3. Identifiers: MedGen C1863551, MONDO:0011369, OMIM 603776.

Submission:

All of Us Research Program, National Institutes of Health
Classification: Uncertain significance for Hypercholesterolemia, autosomal dominant, 3. Last evaluated: 2023-05-16. Review status: criteria provided, single submitter. Criteria: ACMG Guidelines, 2015. Collection method: clinical testing. Allele origin: germline. Inheritance: Autosomal dominant inheritance. Observed: 1 variant allele, 1 heterozygote.
Comment: This missense variant replaces glycine with serine at codon 2 of the PCSK9 protein. Computational prediction suggests that this variant may not impact protein structure and function (internally defined REVEL score threshold <= 0.5, PMID: 27666373). To our knowledge, functional studies have not been reported for this variant. This variant has not been reported in individuals affected with PCSK9-related disorders in the literature. This variant has not been identified in the general population by the Genome Aggregation Database (gnomAD). The available evidence is insufficient to determine the role of this variant in disease conclusively. Therefore, this variant is classified as a Variant of Uncertain Significance.

This study involves interpretation of variants in research participants for the purpose of population health screening. Participant phenotype was not available at the time of variant classification. Additional details can be found in publication PMID: 35346344, PMCID: PMC8962531